The following is an entry in ClinVar:

ClinVar aggregate classification (germline): Pathogenic/Likely pathogenic. Review status: criteria provided, multiple submitters, no conflicts (2 of 4 stars). 5 submissions from 5 submitters: Pathogenic (2); Likely pathogenic (3). Last evaluated 2025-12-10.

Conditions:
PGAP1-related disorders.
Intellectual disability, autosomal recessive 42 (NEDDSBA). Also called: Neurodevelopmental disorder with dysmorphic features, spasticity, and brain abnormalities; GLYCOSYLPHOSPHATIDYLINOSITOL BIOSYNTHESIS DEFECT 9. Identifiers: Orphanet 88616, MedGen C4014343, MONDO:0014348, OMIM 615802.

Allele frequency attached by ClinVar (database versions not stated): TOPMed below 0.00001; gnomAD 0.00001; gnomAD exomes 0.00001; ExAC 0.00002.
gnomAD v4.1: 12 of 1,613,162 alleles (0.00074%); highest among the groups gnomAD compares: Non-Finnish European, 0.001%; no homozygotes.

Submissions (5):

Clinical Genomics Laboratory, Washington University in St. Louis
Classification: Likely pathogenic for Intellectual disability, autosomal recessive 42. Last evaluated: 2025-12-10. Review status: criteria provided, single submitter. Criteria: ACMG Guidelines, 2015. Collection method: clinical testing. Allele origin: germline. Affected: yes.
Comment: The PGAP1 c.2685del (p.Ile895Metfs*35) variant, to our knowledge, has not been reported in the medical literature and is absent from the general population (gnomAD v4.1.0), indicating it is not a common variant. This variant causes a frameshift by deleting a single nucleotide, leading to a premature termination codon; however, because this occurs in the last exon, this is not predicted to lead to nonsense-mediated decay and is only predicted to alter the last 27 amino acids. Due to limited information, and based on ACMG/AMP guidelines for variant interpretation (Richards S et al., PMID: 25741868), the clinical significance of this variant is uncertain at this time.The PGAP1 c.1663C>T (p.Gln555*) variant, to our knowledge, has not been reported in the medical literature but has been reported in the ClinVar database as a germline pathogenic variant by two submitters and a likely pathogenic variant by one submitter. This variant is only observed on 112/613,162 alleles in the general population (gnomAD v4.1.0), indicating it is not a common variant. This variant causes a premature termination codon, which is predicted to lead to nonsense-mediated decay. Based on available information and the ACMG/AMP guidelines for variant interpretation (Richards S et al., PMID: 25741868), this variant is classified as likely pathogenic.

Department of Pathology and Laboratory Medicine, Sinai Health System
Classification: Likely pathogenic for Intellectual disability, autosomal recessive 42. Last evaluated: 2023-10-04. Review status: criteria provided, single submitter. Criteria: ACMG Guidelines, 2015. Collection method: research. Allele origin: germline.

Labcorp Genetics (formerly Invitae), Labcorp
Classification: Pathogenic for Intellectual disability, autosomal recessive 42. Last evaluated: 2023-04-06. Review status: criteria provided, single submitter. Criteria: Invitae Variant Classification Sherloc (09022015). Collection method: clinical testing. Allele origin: germline.
Comment: For these reasons, this variant has been classified as Pathogenic. ClinVar contains an entry for this variant (Variation ID: 1032203). This variant has not been reported in the literature in individuals affected with PGAP1-related conditions. This variant is present in population databases (rs755341613, gnomAD 0.002%). This sequence change creates a premature translational stop signal (p.Gln555*) in the PGAP1 gene. It is expected to result in an absent or disrupted protein product. Loss-of-function variants in PGAP1 are known to be pathogenic (PMID: 17711852, 26050939, 27848944).

Blueprint Genetics
Classification: Likely pathogenic for PGAP1-related disorders. Last evaluated: 2020-12-08. Review status: criteria provided, single submitter. Criteria: ACMG Guidelines, 2015. Collection method: clinical testing. Allele origin: germline. Affected: yes. Observed: 2 variant alleles.

Baylor Genetics
Classification: Pathogenic for Intellectual disability, autosomal recessive 42. Last evaluated: 2018-02-01. Review status: criteria provided, single submitter. Criteria: ACMG Guidelines, 2015. Collection method: clinical testing. Allele origin: maternal. Affected: yes.
Comment: This variant was determined to be pathogenic according to ACMG Guidelines, 2015 [PMID:25741868].

Literature cited by the submitters: PubMed 17711852 (cited by Labcorp Genetics (formerly Invitae), Labcorp); PubMed 26050939 (cited by Labcorp Genetics (formerly Invitae), Labcorp); PubMed 27848944 (cited by Labcorp Genetics (formerly Invitae), Labcorp).

NM_024989.4(PGAP1):c.1663C>T (p.Gln555Ter)

Gene: PGAP1 (post-GPI attachment to proteins inositol deacylase 1; minus strand). Cytogenetic location: 2q33.1.
Variant type: single nucleotide variant.
Coding change: c.1663C>T on transcript NM_024989.4 (MANE Select); coding-DNA position 1663, C replaced by T.
Protein change: p.Gln555Ter; replaces glutamine 555 with a stop codon.
Molecular consequence: nonsense.
Genome position (GRCh38, 1-based): chr2:196,872,506, G>A on the plus strand (C>T on the coding strand, the complement: PGAP1 is on the minus strand). VCF-style: chr2-196872506-G-A. GRCh37 (hg19) VCF-style: chr2-197737230-G-A.
Other names: c.1141C>T, p.Gln381Ter (NM_001321099.2); c.496C>T, p.Gln166Ter (NM_001321100.2); short protein forms Q381*, Q166*, Q555*.
Identifiers: ClinVar variation 1032203 (VCV001032203.9), dbSNP rs755341613, ClinGen allele CA2040844.